The following is an entry in ClinVar:

NM_001089.3(ABCA3):c.3613G>A (p.Gly1205Arg)

Gene: ABCA3 (ATP binding cassette subfamily A member 3; minus strand). Cytogenetic location: 16p13.3.
Variant type: single nucleotide variant.
Coding change: c.3613G>A on transcript NM_001089.3 (MANE Select); coding-DNA position 3613, G replaced by A.
Protein change: p.Gly1205Arg; replaces glycine 1205 with arginine.
Molecular consequence: missense variant.
Genome position (GRCh38, 1-based): chr16:2,284,869, C>T on the plus strand (G>A on the coding strand, the complement: ABCA3 is on the minus strand). VCF-style: chr16-2284869-C-T. GRCh37 (hg19) VCF-style: chr16-2334870-C-T.
Other names: short protein forms G1205R.
Identifiers: ClinVar variation 884386 (VCV000884386.13), dbSNP rs549977217, ClinGen allele CA7840450.
Genomic context (GRCh38, chr16:2,284,869, plus strand): 5'-AGGTGGCGATGCCTGACAGGATGTTGAAGATGGTCAGCCTCGTGTAGGCAGTGGCCGCCC[C>T]CAAGAAGAAGAAGTTCATCAGGTACATGAGGGGGATGATGGCCCAGCCGTAGAGCAGGAG-3'
Protein context (NP_001080.2, residues 1195-1215): LMYLMNFFFL[Gly1205Arg]AATAYTRLTI

ClinVar aggregate classification (germline): Conflicting classifications of pathogenicity. Review status: criteria provided, conflicting classifications (1 of 4 stars). 5 submissions from 5 submitters: Uncertain significance (4); Likely benign (1). Last evaluated 2026-01-26.

Conditions:
Interstitial lung disease due to ABCA3 deficiency. Also called: PULMONARY ALVEOLAR PROTEINOSIS, CONGENITAL, 3. Identifiers: Orphanet 440402, MedGen C1970456, MONDO:0012582, OMIM 610921.
Disorder of lung. Also called: Lung disorder. Identifiers: Orphanet 101944, MedGen C0024115, MONDO:0005275.

Allele frequency attached by ClinVar (database versions not stated): gnomAD 0.00011 and 0.00013; gnomAD exomes 0.00015 and 0.00046; 1000 Genomes Project 30x 0.00016; 1000 Genomes Project 0.00020; TOPMed 0.00029; ExAC 0.00051.
gnomAD v4.1: 236 of 1,613,890 alleles (0.015%); highest among the groups gnomAD compares: East Asian, 0.49%; 2 homozygotes.

Submissions (5):

Labcorp Genetics (formerly Invitae), Labcorp
Classification: Likely benign. Last evaluated: 2026-01-26. Review status: criteria provided, single submitter. Criteria: Invitae Variant Classification Sherloc (09022015). Collection method: clinical testing. Allele origin: germline.

Johns Hopkins Genomics, Johns Hopkins University
Classification: Uncertain significance for Interstitial lung disease due to ABCA3 deficiency. Last evaluated: 2023-05-24. Review status: criteria provided, single submitter. Criteria: ACMG Guidelines, 2015. Collection method: clinical testing. Allele origin: germline.
Comment: This variant has also been identified in the heterozygous state in two patients with sporadic idiopathic pulmonary fibrosis, and case-control analysis showed higher allele frequency in the cohort of patients with connective tissue disease-associated interstitial lung disease compared with controls. c.3613G>A in ABCA3 (rs549977217) is present in a large population dataset (gnomAD v2.1.1: 121/282218 total alleles; 0.043%; no homozygotes), and has been reported in ClinVar (Variation ID 884386). Two bioinformatic tools queried predict that this substitution would be tolerated, and the glycine residue at this position is evolutionarily conserved across some of the species assessed. We consider the clinical significance of c.3613G>A in ABCA3 to be uncertain.

Fulgent Genetics
Classification: Uncertain significance for Interstitial lung disease due to ABCA3 deficiency. Last evaluated: 2022-03-04. Review status: criteria provided, single submitter. Criteria: ACMG Guidelines, 2015. Collection method: clinical testing. Allele origin: unknown.

Illumina Laboratory Services, Illumina
Classification: Uncertain significance for Interstitial lung disease due to ABCA3 deficiency. Last evaluated: 2017-04-27. Review status: criteria provided, single submitter. Criteria: ICSL Variant Classification Criteria 13 December 2019. Collection method: clinical testing. Allele origin: germline.

Seattle Children's Hospital Molecular Genetics Laboratory, Seattle Children's Hospital
Classification: Uncertain significance for lung disease. Review status: criteria provided, single submitter. Criteria: ACMG Guidelines, 2015. Collection method: clinical testing. Allele origin: unknown. Affected: yes.
Comment: The p.Gly1205Arg substitutes the glycine at position 1205 with arginine. The majority of in silico tools predict that this variant is tolerated and this position is not conserved across species. This missense variant has been documented in a large database of presumably healthy individuals, with an allele frequency of 0.6% in individuals with East Asian ancestry (113 out of 18,388 alleles, ~ 1/81 are carriers, Genome Aggregation Database).

Literature cited by the submitters: PubMed 19220077 (cited by Johns Hopkins Genomics, Johns Hopkins University); PubMed 25105258 (cited by Johns Hopkins Genomics, Johns Hopkins University); PubMed 28642621 (cited by Johns Hopkins Genomics, Johns Hopkins University); PubMed 34638622 (cited by Johns Hopkins Genomics, Johns Hopkins University).